The following is an entry in ClinVar:

ClinVar aggregate classification (germline): Uncertain significance (1 of 4 stars; one submission).

Conditions:
Werner syndrome (WRN). Identifiers: Orphanet 902, MedGen C0043119, MONDO:0010196, OMIM 277700.

Submission:

Labcorp Genetics (formerly Invitae), Labcorp
Classification: Uncertain significance for Werner syndrome. Last evaluated: 2022-09-06. Review status: criteria provided, single submitter. Criteria: Invitae Variant Classification Sherloc (09022015). Collection method: clinical testing. Allele origin: germline.
Comment: In summary, the available evidence is currently insufficient to determine the role of this variant in disease. Therefore, it has been classified as a Variant of Uncertain Significance. Algorithms developed to predict the effect of missense changes on protein structure and function are either unavailable or do not agree on the potential impact of this missense change (SIFT: "Not Available"; PolyPhen-2: "Probably Damaging"; Align-GVGD: "Not Available"). This variant has not been reported in the literature in individuals affected with WRN-related conditions. This variant is not present in population databases (gnomAD no frequency). This sequence change replaces serine, which is neutral and polar, with phenylalanine, which is neutral and non-polar, at codon 596 of the WRN protein (p.Ser596Phe).

NM_000553.6(WRN):c.1787C>T (p.Ser596Phe)

Gene: WRN (WRN RecQ like helicase; plus strand). Cytogenetic location: 8p12.
Variant type: single nucleotide variant.
Coding change: c.1787C>T on transcript NM_000553.6 (MANE Select); coding-DNA position 1787, C replaced by T.
Protein change: p.Ser596Phe; replaces serine 596 with phenylalanine.
Molecular consequence: missense variant.
Genome position (GRCh38, 1-based): chr8:31,090,900, C>T. VCF-style: chr8-31090900-C-T. GRCh37 (hg19) VCF-style: chr8-30948416-C-T.
Other names: short protein forms S596F.
Identifiers: ClinVar variation 2120573 (VCV002120573.4), dbSNP rs2535931676, ClinGen allele CA370927973.